The following is an entry in ClinVar:

ClinVar aggregate classification (germline): Uncertain significance. Review status: criteria provided, single submitter (1 of 4 stars). 2 submissions from 2 submitters: Uncertain significance (1). 1 of the submissions does not count toward it. Last evaluated 2025-04-09.

Conditions:
Cardiovascular phenotype. Identifiers: MedGen CN230736.
NRAP-related disorder. Also called: NRAP-related condition.

Allele frequency attached by ClinVar (database versions not stated): ExAC 0.00055; ESP Exome Variant Server 0.00146; gnomAD 0.00150; TOPMed 0.00170; 1000 Genomes Project 30x 0.00172; 1000 Genomes Project 0.00180.
gnomAD v4.1: 424 of 1,612,574 alleles (0.026%); highest among the groups gnomAD compares: African/African-American, 0.51%; no homozygotes.

Submissions (2):

Molecular Diagnostic Laboratory for Inherited Cardiovascular Disease, Montreal Heart Institute
Classification: Uncertain significance for Cardiovascular phenotype. Last evaluated: 2025-04-09. Review status: criteria provided, single submitter. Criteria: ACMG Guidelines, 2015. Collection method: clinical testing. Allele origin: germline. Affected: yes.

PreventionGenetics, part of Exact Sciences
Classification: Likely benign for NRAP-related condition. Last evaluated: 2019-11-14. Review status: no assertion criteria provided. Collection method: clinical testing. Allele origin: germline. Not counted in ClinVar's aggregate classification.
Comment: This variant is classified as likely benign based on ACMG/AMP sequence variant interpretation guidelines (Richards et al. 2015 PMID: 25741868, with internal and published modifications).

NM_198060.4(NRAP):c.2929C>T (p.Pro977Ser)

Gene: NRAP (nebulin related anchoring protein; minus strand). Cytogenetic location: 10q25.3.
Variant type: single nucleotide variant.
Coding change: c.2929C>T on transcript NM_198060.4 (MANE Select); coding-DNA position 2929, C replaced by T.
Protein change: p.Pro977Ser; replaces proline 977 with serine.
Molecular consequence: missense variant.
Genome position (GRCh38, 1-based): chr10:113,617,499, G>A on the plus strand (C>T on the coding strand, the complement: NRAP is on the minus strand). VCF-style: chr10-113617499-G-A. GRCh37 (hg19) VCF-style: chr10-115377258-G-A.
Other names: c.2929C>T, p.Pro977Ser (NM_001261463.2); c.2821C>T, p.Pro941Ser (NM_001322945.2); c.2824C>T, p.Pro942Ser (NM_006175.5); c.2929C>T (NM_198060.3); short protein forms P941S, P942S, P977S.
Identifiers: ClinVar variation 3045820 (VCV003045820.3), dbSNP rs115942015, ClinGen allele CA5695000.